The following is an entry in ClinVar:

ClinVar aggregate classification (germline): Conflicting classifications of pathogenicity. Review status: criteria provided, conflicting classifications (1 of 4 stars). 3 submissions from 3 submitters: Uncertain significance (1); Likely benign (1). 1 of the submissions does not count toward it. Last evaluated 2023-03-23.

Conditions:
Breast-ovarian cancer, familial, susceptibility to, 1 (BROVCA1). Also called: BRCA1 Hereditary Breast and Ovarian Cancer; OVARIAN CANCER, SUSCEPTIBILITY TO. Identifiers: Orphanet 145, MedGen C2676676, MONDO:0011450, OMIM 604370. Disease mechanism: loss of function.
Hereditary cancer-predisposing syndrome. Also called: Hereditary neoplastic syndrome; Tumor predisposition; Neoplastic Syndromes, Hereditary; Hereditary Cancer Syndrome. Identifiers: Orphanet 140162, MedGen C0027672, MeSH D009386, MONDO:0015356.

Allele frequency attached by ClinVar (database versions not stated): gnomAD exomes below 0.00001 and 0.00001; ExAC 0.00002.
gnomAD v4.1: 2 of 1,613,500 alleles (0.00012%); highest among the groups gnomAD compares: Non-Finnish European, 0.00017%; no homozygotes.

Submissions (3):

University of Washington Department of Laboratory Medicine, University of Washington
Classification: Likely benign for Hereditary cancer-predisposing syndrome. Last evaluated: 2023-03-23. Review status: criteria provided, single submitter. Criteria: Dines et al. (Genet Med. 2020). Collection method: curation. Allele origin: germline.
Comment: Missense variant in a coldspot region where missense variants are very unlikely to be pathogenic (PMID:31911673).

BRCA1 coldspot (exon 11 using historical exon numbering). Reclassification based on statistical prior probability

Women's Health and Genetics/Laboratory Corporation of America, LabCorp
Classification: Uncertain significance. Last evaluated: 2020-04-20. Review status: criteria provided, single submitter. Criteria: LabCorp Variant Classification Summary - May 2015. Collection method: clinical testing. Allele origin: germline.
Comment: Variant summary: BRCA1 c.4032T>A (p.Asp1344Glu) results in a conservative amino acid change in the encoded protein sequence. Five of five in-silico tools predict a benign effect of the variant on protein function. The variant allele was found at a frequency of 8e-06 in 251062 control chromosomes. The available data on variant occurrences in the general population are insufficient to allow any conclusion about variant significance. To our knowledge, no occurrence of c.4032T>A in individuals affected with Hereditary Breast And Ovarian Cancer Syndrome and no experimental evidence demonstrating its impact on protein function have been reported. No clinical diagnostic laboratories have submitted clinical-significance assessments for this variant to ClinVar after 2014. Based on the evidence outlined above, the variant was classified as uncertain significance.

BRCAlab, Lund University
Classification: Uncertain significance for Breast-ovarian cancer, familial, susceptibility to, 1. Last evaluated: 2020-03-02. Review status: no assertion criteria provided. Collection method: clinical testing. Allele origin: germline. Affected: yes. Not counted in ClinVar's aggregate classification.

NM_007294.4(BRCA1):c.4032T>A (p.Asp1344Glu)

Genes: BRCA1 (BRCA1 DNA repair associated; minus strand), LOC126862571 (BRD4-independent group 4 enhancer GRCh37_chr17:41243136-41244335; plus strand). Cytogenetic location: 17q21.31.
Variant type: single nucleotide variant.
Coding change: c.4032T>A on transcript NM_007294.4 (MANE Select); coding-DNA position 4032, T replaced by A.
Protein change: p.Asp1344Glu; replaces aspartic acid 1344 with glutamic acid.
Molecular consequence: missense variant. On other transcripts: intron variant (135).
Genome position (GRCh38, 1-based): chr17:43,091,499, A>T on the plus strand (T>A on the coding strand, the complement: BRCA1 is on the minus strand). VCF-style: chr17-43091499-A-T. GRCh37 (hg19) VCF-style: chr17-41243516-A-T.
Other names: c.3696T>A, p.Asp1232Glu (NM_001407958.1, NM_001407954.1, NM_001407955.1 and 1 more transcripts); c.3651T>A, p.Asp1217Glu (NM_001407959.1, NM_001407960.1, NM_001407963.1); c.3648T>A, p.Asp1216Glu (NM_001407962.1); c.3888T>A, p.Asp1296Glu (NM_001407964.1, NM_001407740.1, NM_001407741.1 and 20 more transcripts); c.3528T>A, p.Asp1176Glu (NM_001407965.1); c.3144T>A, p.Asp1048Glu (NM_001407966.1, NM_001407967.1); c.1428T>A, p.Asp476Glu (NM_001407968.1, NM_001407969.1); c.3891T>A, p.Asp1297Glu (NM_007297.4, NM_001407692.1, NM_001407694.1 and 29 more transcripts); and 41 more; short protein forms D1297E, D1344E, D1217E, D1273E, D1318E, D1341E, D1343E, D1048E.
Identifiers: ClinVar variation 917791 (VCV000917791.5), dbSNP rs769589630, ClinGen allele CA059043.